The following is an entry in ClinVar:

ClinVar aggregate classification (germline): Pathogenic (1 of 4 stars; one submission).

Conditions:
Familial cancer of breast. Also called: Hereditary breast cancer; BREAST CANCER, FAMILIAL; hereditary breast carcinoma. Identifiers: Orphanet 227535, MedGen C0346153, MONDO:0016419, OMIM 114480. Disease mechanism: loss of function.

Submission:

Myriad Genetics, Inc.
Classification: Pathogenic for Familial cancer of breast. Last evaluated: 2023-09-12. Review status: criteria provided, single submitter. Criteria: Myriad Autosomal Dominant, Autosomal Recessive and X-Linked Classification Criteria (2023). Collection method: clinical testing. Allele origin: unknown.
Comment: This variant is considered pathogenic. This variant creates a termination codon and is predicted to result in premature protein truncation.

NM_024675.4(PALB2):c.2190del (p.Ile730_Leu731insTer)

Gene: PALB2 (partner and localizer of BRCA2; minus strand). Cytogenetic location: 16p12.2.
Variant type: Deletion.
Coding change: c.2190del on transcript NM_024675.4 (MANE Select); coding-DNA position 2190, one base deleted (C; older notation c.2190delC).
Protein change: p.Ile730_Leu731insTer.
Molecular consequence: frameshift variant. On other transcripts: intron variant (1).
Genome position (GRCh38, 1-based): chr16:23,629,964, G deleted on the plus strand (C on the coding strand, the reverse complement: PALB2 is on the minus strand). VCF-style (leftmost placement, unchanged base first): chr16-23629963-AG-A. GRCh37 (hg19) VCF-style: chr16-23641284-AG-A.
Other names: c.2130del, p.Ile710_Leu711insTer (NM_001407296.1); c.2190del, p.Ile730_Leu731insTer (NM_001407297.1, NM_001407298.1, NM_001407299.1 and 3 more transcripts); c.1305del, p.Ile435_Leu436insTer (NM_001407304.1, NM_001407305.1, NM_001407306.1 and 5 more transcripts); c.402del, p.Ile134_Leu135insTer (NM_001407312.1, NM_001407313.1); c.49-689del (NM_001407314.1).
Identifiers: ClinVar variation 2673867 (VCV002673867.1), dbSNP rs2506418304, ClinGen allele CA2695197489.